The following is an entry in ClinVar:

NM_000075.4(CDK4):c.523-11A>G

Gene: CDK4 (cyclin dependent kinase 4; minus strand). Cytogenetic location: 12q14.1.
Variant type: single nucleotide variant.
Coding change: c.523-11A>G on transcript NM_000075.4 (MANE Select); 11 bases into the intron before coding-DNA position 523, A replaced by G.
Molecular consequence: intron variant.
Genome position (GRCh38, 1-based): chr12:57,750,776, T>C on the plus strand (A>G on the coding strand, the complement: CDK4 is on the minus strand). VCF-style: chr12-57750776-T-C. GRCh37 (hg19) VCF-style: chr12-58144559-T-C.
Identifiers: ClinVar variation 1640147 (VCV001640147.10), dbSNP rs958372242, ClinGen allele CA237844173.

ClinVar aggregate classification (germline): Likely benign. Review status: criteria provided, multiple submitters, no conflicts (2 of 4 stars). 3 submissions from 3 submitters: Likely benign (3). Last evaluated 2026-01-26.

Conditions:
Familial melanoma. Also called: Hereditary melanoma; Hereditary cutaneous melanoma. Identifiers: Orphanet 618, MedGen C1512419, MONDO:0018961.
Melanoma, cutaneous malignant, susceptibility to, 3. Also called: Cutaneous malignant melanoma 3. Identifiers: Orphanet 618, MedGen C1836892, MONDO:0012183, OMIM 609048.

Allele frequency attached by ClinVar (database versions not stated): gnomAD exomes below 0.00001 and 0.00002; gnomAD 0.00001; TOPMed 0.00001.

Submissions (3):

Labcorp Genetics (formerly Invitae), Labcorp
Classification: Likely benign for Familial melanoma. Last evaluated: 2026-01-26. Review status: criteria provided, single submitter. Criteria: Invitae Variant Classification Sherloc (09022015). Collection method: clinical testing. Allele origin: germline.

Myriad Genetics, Inc.
Classification: Likely benign for Melanoma, cutaneous malignant, susceptibility to, 3. Last evaluated: 2024-09-26. Review status: criteria provided, single submitter. Criteria: Myriad Autosomal Dominant, Autosomal Recessive and X-Linked Classification Criteria (2023). Collection method: clinical testing. Allele origin: unknown.
Comment: This variant is considered likely benign. This variant is intronic and is not expected to impact mRNA splicing.

Blueprint Genetics
Classification: Likely benign. Last evaluated: 2023-09-21. Review status: criteria provided, single submitter. Criteria: ACMG Guidelines, 2015. Collection method: clinical testing. Allele origin: germline.